The following is an entry in ClinVar:

NM_138711.6(PPARG):c.1184G>A (p.Arg395His)

Gene: PPARG (peroxisome proliferator activated receptor gamma; plus strand). Cytogenetic location: 3p25.2.
Variant type: single nucleotide variant.
Coding change: c.1184G>A on transcript NM_138711.6 (MANE Select); coding-DNA position 1184, G replaced by A.
Protein change: p.Arg395His; replaces arginine 395 with histidine.
Molecular consequence: missense variant. On other transcripts: synonymous variant (1).
Genome position (GRCh38, 1-based): chr3:12,433,901, G>A. VCF-style: chr3-12433901-G-A. GRCh37 (hg19) VCF-style: chr3-12475400-G-A.
Other names: c.733G>A, p.Ala245Thr (NM_001330615.4, NM_001374261.3, NM_001374262.3); c.1184G>A, p.Arg395His (NM_001354666.3, NM_001354667.3, NM_001374263.2 and 3 more transcripts); c.557G>A, p.Arg186His (NM_001354669.2); c.823G>A, p.Ala275Thr (NM_001374265.1); c.657G>A, p.Pro219= (NM_001374266.1); c.1274G>A, p.Arg425His (NM_015869.5); short protein forms A245T, A275T, R186H, R395H, R425H.
Identifiers: ClinVar variation 1686091 (VCV001686091.2), dbSNP rs2051760352, ClinGen allele CA351467334.

ClinVar aggregate classification (germline): Pathogenic/Likely pathogenic. Review status: criteria provided, multiple submitters, no conflicts (2 of 4 stars). 2 submissions from 2 submitters: Pathogenic (1); Likely pathogenic (1). Last evaluated 2022-12-01.

Conditions:
Type 2 diabetes mellitus. Also called: Type II diabetes mellitus. Identifiers: MedGen C0011860, MeSH D003924, MONDO:0005148, OMIM 125853, HP:0005978.
PPARG-related familial partial lipodystrophy. Also called: LIPODYSTROPHY, FAMILIAL PARTIAL, ASSOCIATED WITH PPARG MUTATIONS. Identifiers: Orphanet 79083, MedGen C1720861, MONDO:0011448, OMIM 604367.

Allele frequency attached by ClinVar (database versions not stated): gnomAD exomes below 0.00001; TOPMed below 0.00001.
gnomAD v4.1: 2 of 1,613,938 alleles (0.00012%); highest among the groups gnomAD compares: Non-Finnish European, 0.00017%; no homozygotes.

Submissions (2):

Cardiovascular Genetics Laboratory, PathWest Laboratory Medicine WA - Fiona Stanley Hospital
Classification: Likely pathogenic for PPARG-related familial partial lipodystrophy. Last evaluated: 2022-12-01. Review status: criteria provided, single submitter. Criteria: ACMG Guidelines, 2015. Collection method: clinical testing. Allele origin: germline.
Comment: The PPARG p.Arg395His missense variant (originally Arg425His) is absent from the gnomAD population database (250,000 alleles) and is likely pathogenic. In silico analysis suggests this variant has a deleterious effect on protein structure and function (REVEL score 0.78). The PPARG p.Arg395His variant has previously been reported in a patient with Type II diabetes mellitus (ClinVar), and a pathogenic variant at the same position (described as p.Arg425Cys) has previously been reported in familial partial lipodystrophy type 3 (PMID: 11788685, 17312272). Pathogenic loss-of-function and dominant negative variants in PPARG have been associated with autosomal dominant familial partial lipodystrophy, maturity onset diabetes of the young (MODY) and hypertriglyceridaemia (PMID: 16412238, 10622252).

Mendelics
Classification: Pathogenic for Type 2 diabetes mellitus. Last evaluated: 2022-05-04. Review status: criteria provided, single submitter. Criteria: Mendelics Assertion Criteria 2019. Collection method: clinical testing. Allele origin: germline.

Literature cited by the submitters: PubMed 10622252 (cited by Cardiovascular Genetics Laboratory, PathWest Laboratory Medicine WA - Fiona Stanley Hospital); PubMed 11788685 (cited by Cardiovascular Genetics Laboratory, PathWest Laboratory Medicine WA - Fiona Stanley Hospital); PubMed 16412238 (cited by Cardiovascular Genetics Laboratory, PathWest Laboratory Medicine WA - Fiona Stanley Hospital); PubMed 17312272 (cited by Cardiovascular Genetics Laboratory, PathWest Laboratory Medicine WA - Fiona Stanley Hospital).